The following is an entry in ClinVar:

ClinVar aggregate classification (germline): Uncertain significance (1 of 4 stars; one submission).

Conditions:
Thrombophilia due to protein C deficiency, autosomal dominant. Also called: PROC DEFICIENCY, AUTOSOMAL DOMINANT; PROTEIN C DEFICIENCY, AUTOSOMAL DOMINANT. Identifiers: Orphanet 745, MedGen C2674321, MONDO:0008316, OMIM 176860. Disease mechanism: loss of function.

Allele frequency attached by ClinVar (database versions not stated): ESP Exome Variant Server 0.00008.

Submission:

Labcorp Genetics (formerly Invitae), Labcorp
Classification: Uncertain significance for Thrombophilia due to protein C deficiency, autosomal dominant. Last evaluated: 2023-09-17. Review status: criteria provided, single submitter. Criteria: Invitae Variant Classification Sherloc (09022015). Collection method: clinical testing. Allele origin: germline.
Comment: In summary, the available evidence is currently insufficient to determine the role of this variant in disease. Therefore, it has been classified as a Variant of Uncertain Significance. Advanced modeling of protein sequence and biophysical properties (such as structural, functional, and spatial information, amino acid conservation, physicochemical variation, residue mobility, and thermodynamic stability) performed at Invitae indicates that this missense variant is expected to disrupt PROC protein function. This variant has not been reported in the literature in individuals affected with PROC-related conditions. This variant is not present in population databases (gnomAD no frequency). This sequence change replaces leucine, which is neutral and non-polar, with proline, which is neutral and non-polar, at codon 249 of the PROC protein (p.Leu249Pro).

NM_000312.4(PROC):c.746T>C (p.Leu249Pro)

Gene: PROC (protein C, inactivator of coagulation factors Va and VIIIa; plus strand). Cytogenetic location: 2q14.3.
Variant type: single nucleotide variant.
Coding change: c.746T>C on transcript NM_000312.4 (MANE Select); coding-DNA position 746, T replaced by C.
Protein change: p.Leu249Pro; replaces leucine 249 with proline.
Molecular consequence: missense variant.
Genome position (GRCh38, 1-based): chr2:127,427,172, T>C. VCF-style: chr2-127427172-T-C. GRCh37 (hg19) VCF-style: chr2-128184748-T-C.
Other names: c.929T>C, p.Leu310Pro (NM_001375602.1); c.911T>C, p.Leu304Pro (NM_001375603.1); c.809T>C, p.Leu270Pro (NM_001375604.1); c.848T>C, p.Leu283Pro (NM_001375605.1); c.914T>C, p.Leu305Pro (NM_001375606.1); c.932T>C, p.Leu311Pro (NM_001375607.1); c.689T>C, p.Leu230Pro (NM_001375608.1); c.722T>C, p.Leu241Pro (NM_001375609.1); and 2 more; short protein forms L241P, L249P, L230P, L247P, L270P, L310P, L283P, L311P.
Identifiers: ClinVar variation 2751145 (VCV002751145.3), dbSNP rs375156587, ClinGen allele CA55349366.